The following is an entry in ClinVar:

ClinVar aggregate classification (germline): Uncertain significance. Review status: criteria provided, multiple submitters, no conflicts (2 of 4 stars). 3 submissions from 3 submitters: Uncertain significance (3). Last evaluated 2025-07-14.

Conditions:
Long QT syndrome (LQTS). Identifiers: MedGen C0023976, MeSH D008133, MONDO:0002442. Disease mechanism: loss of function. Inheritance: Various modes of inheritance.
Cardiac arrhythmia. Also called: Cardiac rhythm disease; Arrhythmia. Identifiers: MedGen C0003811, MONDO:0007263, HP:0011675.
Cardiovascular phenotype. Identifiers: MedGen CN230736.

Allele frequency attached by ClinVar (database versions not stated): gnomAD below 0.00001 and 0.00001; gnomAD exomes 0.00001; ExAC 0.00002.

Submissions (3):

Ambry Genetics
Classification: Uncertain significance for Cardiovascular phenotype. Last evaluated: 2025-07-14. Review status: criteria provided, single submitter. Criteria: Ambry Variant Classification Scheme 2023. Collection method: clinical testing. Allele origin: germline.
Comment: The p.M1060V variant (also known as c.3178A>G), located in coding exon 14 of the KCNH2 gene, results from an A to G substitution at nucleotide position 3178. The methionine at codon 1060 is replaced by valine, an amino acid with highly similar properties. This amino acid position is not well conserved in available vertebrate species. In addition, the in silico prediction for this alteration is inconclusive. Based on the available evidence, the clinical significance of this variant remains unclear.

Labcorp Genetics (formerly Invitae), Labcorp
Classification: Uncertain significance for Long QT syndrome. Last evaluated: 2023-09-10. Review status: criteria provided, single submitter. Criteria: Invitae Variant Classification Sherloc (09022015). Collection method: clinical testing. Allele origin: germline.
Comment: This sequence change replaces methionine, which is neutral and non-polar, with valine, which is neutral and non-polar, at codon 1060 of the KCNH2 protein (p.Met1060Val). This variant is present in population databases (rs767156792, gnomAD 0.007%). This variant has not been reported in the literature in individuals affected with KCNH2-related conditions. ClinVar contains an entry for this variant (Variation ID: 924650). An algorithm developed to predict the effect of missense changes on protein structure and function (PolyPhen-2) suggests that this variant¬†is likely to be tolerated. In summary, the available evidence is currently insufficient to determine the role of this variant in disease. Therefore, it has been classified as a Variant of Uncertain Significance.

Color Diagnostics, LLC DBA Color Health
Classification: Uncertain significance for Cardiac arrhythmia. Last evaluated: 2019-02-26. Review status: criteria provided, single submitter. Criteria: ACMG Guidelines, 2015. Collection method: clinical testing. Allele origin: germline.
Comment: Variant of Uncertain Significance due to insufficient evidence: This missense variant replaces methionine with valine at codon 1060 of the KCNH2 protein. Computational prediction tools and conservation analyses are inconclusive regarding the impact of this variant on the protein function. Computational splicing tools suggest that this variant may not impact RNA splicing. To our knowledge, functional assays have not been performed for this variant nor has this variant been reported in individuals affected with cardiovascular disorders in the literature. This variant has been identified in 2/243244 chromosomes in the general population by the Genome Aggregation Database (gnomAD). Available evidence is insufficient to determine the role of this variant in disease conclusively.

NM_000238.4(KCNH2):c.3178A>G (p.Met1060Val)

Gene: KCNH2 (potassium voltage-gated channel subfamily H member 2; minus strand). Cytogenetic location: 7q36.1.
Variant type: single nucleotide variant.
Coding change: c.3178A>G on transcript NM_000238.4 (MANE Select); coding-DNA position 3178, A replaced by G.
Protein change: p.Met1060Val; replaces methionine 1060 with valine.
Molecular consequence: missense variant.
Genome position (GRCh38, 1-based): chr7:150,947,029, T>C on the plus strand (A>G on the coding strand, the complement: KCNH2 is on the minus strand). VCF-style: chr7-150947029-T-C. GRCh37 (hg19) VCF-style: chr7-150644117-T-C.
Other names: c.2158A>G, p.Met720Val (NM_172057.3); short protein forms M1060V, M720V.
Identifiers: ClinVar variation 924650 (VCV000924650.13), dbSNP rs767156792, ClinGen allele CA037756.